The following is an entry in ClinVar:

ClinVar aggregate classification (germline): Pathogenic/Likely pathogenic. Review status: criteria provided, multiple submitters, no conflicts (2 of 4 stars). 2 submissions from 2 submitters: Pathogenic (1); Likely pathogenic (1). Last evaluated 2025-01-10.

Conditions:
Stuve-Wiedemann syndrome (STWS). Also called: Stüve-Wiedemann syndrome. Identifiers: Orphanet 3206, MedGen C0796176, MONDO:0031280.

Submissions (2):

Natera, Inc.
Classification: Likely pathogenic for Stuve-Wiedemann syndrome. Last evaluated: 2025-01-10. Review status: criteria provided, single submitter. Criteria: Natera Variant Classification Schema (03/2026). Collection method: clinical testing. Allele origin: germline.
Comment: The c.2509_2512delATTA variant in LIFR is a frameshift variant predicted to shift the reading frame beginning at codon 837 and leads to a stop codon 16 codons downstream. This variant is expected to result in nonsense mediated decay, truncation, or a dysfunctional protein product. This variant is rare in the general population with a frequency below the threshold expected for the associated phenotype(s). Given the available evidence, this variant is classified as Likely Pathogenic.

Labcorp Genetics (formerly Invitae), Labcorp
Classification: Pathogenic. Last evaluated: 2024-01-11. Review status: criteria provided, single submitter. Criteria: Invitae Variant Classification Sherloc (09022015). Collection method: clinical testing. Allele origin: germline.
Comment: This sequence change creates a premature translational stop signal (p.Ile837Leufs*16) in the LIFR gene. It is expected to result in an absent or disrupted protein product. Loss-of-function variants in LIFR are known to be pathogenic (PMID: 14740318). This variant is present in population databases (no rsID available, gnomAD 0.007%). This variant has not been reported in the literature in individuals affected with LIFR-related conditions. For these reasons, this variant has been classified as Pathogenic.

Literature cited by the submitters: PubMed 14740318 (cited by Labcorp Genetics (formerly Invitae), Labcorp).

NM_001127671.2(LIFR):c.2509_2512del (p.Ile837fs)

Gene: LIFR (LIF receptor subunit alpha; minus strand). Cytogenetic location: 5p13.1.
Variant type: Microsatellite.
Coding change: c.2509_2512del on transcript NM_001127671.2 (MANE Select); coding-DNA positions 2509 to 2512, 4 bases deleted (ATTA; older notation c.2509_2512delATTA).
Protein change: p.Ile837fs; shifts the reading frame from isoleucine 837.
Molecular consequence: frameshift variant. On other transcripts: intron variant (1).
Genome position (GRCh38, 1-based): chr5:38,484,854-38,484,857, TAAT deleted on the plus strand (ATTA on the coding strand, the reverse complement: LIFR is on the minus strand); deleting any 4 consecutive bases within chr5:38,484,854-38,484,861 gives the same sequence; the c. name uses the placement nearest the transcript's 3' end. VCF-style (leftmost placement, unchanged base first): chr5-38484853-ATAAT-A. GRCh37 (hg19) VCF-style: chr5-38484955-ATAAT-A.
Other names: c.2509_2512del, p.Ile837fs (NM_001364297.2, NM_002310.6); c.2498-22_2498-19del (NM_001364298.2); c.2509_2512delATTA (NM_002310.5); short protein forms I837fs.
Identifiers: ClinVar variation 1072039 (VCV001072039.9), dbSNP rs1435281238, ClinGen allele CA559046951.
Genomic context (GRCh38, chr5:38,484,853, plus strand): 5'-CAAAGGATACTTGTCACCACTCCAACAATGACAGCCACTGCCACTGGGATGAGAATGGCA[ATAAT>A]TAATCCCACAGCTGAAACGAGAGTATTGCAAATATTAAAATCGCCATTTTTAGTGTGAAG-3'